The following is an entry in ClinVar:

NM_001008212.2(OPTN):c.628G>A (p.Ala210Thr)

Gene: OPTN (optineurin; plus strand). Cytogenetic location: 10p13.
Variant type: single nucleotide variant.
Coding change: c.628G>A on transcript NM_001008212.2 (MANE Select); coding-DNA position 628, G replaced by A.
Protein change: p.Ala210Thr; replaces alanine 210 with threonine.
Molecular consequence: missense variant.
Genome position (GRCh38, 1-based): chr10:13,118,889, G>A. VCF-style: chr10-13118889-G-A. GRCh37 (hg19) VCF-style: chr10-13160889-G-A.
Other names: c.628G>A, p.Ala210Thr (NM_001008211.1, NM_001008213.1, NM_021980.4); short protein forms A210T.
Identifiers: ClinVar variation 586204 (VCV000586204.5), dbSNP rs778855963, ClinGen allele CA203260889.

ClinVar aggregate classification (germline): Uncertain significance. Review status: criteria provided, multiple submitters, no conflicts (2 of 4 stars). 3 submissions from 3 submitters: Uncertain significance (3). Last evaluated 2025-10-09.

Conditions:
OPTN-related disorder. Also called: OPTN-related disorders; OPTN-related condition.
Glaucoma 1, open angle, E. Identifiers: MedGen C1842026, MONDO:0007665.
Amyotrophic lateral sclerosis type 12 (ALS12). Also called: AMYOTROPHIC LATERAL SCLEROSIS 12 WITH OR WITHOUT FRONTOTEMPORAL DEMENTIA. Identifiers: Orphanet 803, MedGen C3150692, MONDO:0013264, OMIM 613435.
Primary open angle glaucoma (POAG). Also called: OPTN-related open angle glaucoma. Identifiers: MedGen C0339573, MONDO:0100553, OMIM 137760.

Allele frequency attached by ClinVar (database versions not stated): gnomAD 0.00001; TOPMed 0.00002; gnomAD exomes 0.00004.
gnomAD v4.1: 57 of 1,613,686 alleles (0.0035%); highest among the groups gnomAD compares: Non-Finnish European, 0.0048%; no homozygotes.

Submissions (3):

PreventionGenetics, part of Exact Sciences
Classification: Uncertain significance for OPTN-related condition. Last evaluated: 2025-10-09. Review status: criteria provided, single submitter. Criteria: ACMG Guidelines, 2015. Collection method: clinical testing. Allele origin: germline.
Comment: The OPTN c.628G>A variant is predicted to result in the amino acid substitution p.Ala210Thr. To our knowledge, this variant has not been reported in the literature or in a large population database (gnomAD), indicating this variant is rare. At this time, the clinical significance of this variant is uncertain due to the absence of conclusive functional and genetic evidence.

Labcorp Genetics (formerly Invitae), Labcorp
Classification: Uncertain significance for Primary open angle glaucoma; Glaucoma 1, open angle, E; Amyotrophic lateral sclerosis type 12. Last evaluated: 2025-03-06. Review status: criteria provided, single submitter. Criteria: Invitae Variant Classification Sherloc (09022015). Collection method: clinical testing. Allele origin: germline.
Comment: This sequence change replaces alanine, which is neutral and non-polar, with threonine, which is neutral and polar, at codon 210 of the OPTN protein (p.Ala210Thr). This variant is not present in population databases (gnomAD no frequency). This variant has not been reported in the literature in individuals affected with OPTN-related conditions. ClinVar contains an entry for this variant (Variation ID: 586204). An algorithm developed to predict the effect of missense changes on protein structure and function outputs the following: PolyPhen-2: "Benign". The threonine amino acid residue is found in multiple mammalian species, which suggests that this missense change does not adversely affect protein function. In summary, the available evidence is currently insufficient to determine the role of this variant in disease. Therefore, it has been classified as a Variant of Uncertain Significance.

Athena Diagnostics
Classification: Uncertain significance. Last evaluated: 2018-03-23. Review status: criteria provided, single submitter. Criteria: Athena Diagnostics Criteria. Collection method: clinical testing. Allele origin: germline.